The following is an entry in ClinVar:

ClinVar aggregate classification (germline): Benign. Review status: criteria provided, multiple submitters, no conflicts (2 of 4 stars). 2 submissions from 2 submitters: Benign (2). Last evaluated 2018-06-14.

Allele frequency attached by ClinVar (database versions not stated): 1000 Genomes Project 0.45587; 1000 Genomes Project 30x 0.46221; TOPMed 0.53637; gnomAD 0.54330 and 0.55315.
gnomAD v4.1: 349,070 of 663,162 alleles (53%); highest among the groups gnomAD compares: Non-Finnish European, 57%; 94,588 homozygotes.

Submissions (2):

GeneDx
Classification: Benign. Last evaluated: 2018-06-14. Review status: criteria provided, single submitter. Criteria: GeneDx Variant Classification (06012015). Collection method: clinical testing. Allele origin: germline. Affected: yes.
Comment: This variant is considered likely benign or benign based on one or more of the following criteria: it is a conservative change, it occurs at a poorly conserved position in the protein, it is predicted to be benign by multiple in silico algorithms, and/or has population frequency not consistent with disease.

Breakthrough Genomics
Classification: Benign. Review status: criteria provided, single submitter. Criteria: ACMG Guidelines, 2015. Collection method: not provided. Allele origin: germline. Inheritance: Autosomal recessive inheritance. Affected: yes.

NM_001985.3(ETFB):c.439-173A>G

Gene: ETFB (electron transfer flavoprotein subunit beta; minus strand). Cytogenetic location: 19q13.41.
Variant type: single nucleotide variant.
Coding change: c.439-173A>G on transcript NM_001985.3 (MANE Select); 173 bases into the intron before coding-DNA position 439, A replaced by G.
Molecular consequence: intron variant.
Genome position (GRCh38, 1-based): chr19:51,347,231, T>C on the plus strand (A>G on the coding strand, the complement: ETFB is on the minus strand). VCF-style: chr19-51347231-T-C. GRCh37 (hg19) VCF-style: chr19-51850485-T-C.
Other names: c.712-173A>G (NM_001014763.1).
Identifiers: ClinVar variation 680110 (VCV000680110.2), dbSNP rs8112785, ClinGen allele CA14646828.